The following is an entry in ClinVar:

ClinVar aggregate classification (germline): Uncertain significance. Review status: criteria provided, multiple submitters, no conflicts (2 of 4 stars). 2 submissions from 2 submitters: Uncertain significance (2). Last evaluated 2025-03-30.

Submissions (2):

GeneDx
Classification: Uncertain significance. Last evaluated: 2025-03-30. Review status: criteria provided, single submitter. Criteria: GeneDx Variant Classification Process June 2021. Collection method: clinical testing. Allele origin: germline. Affected: yes.
Comment: Not observed at significant frequency in large population cohorts (gnomAD); In silico analysis supports that this missense variant has a deleterious effect on protein structure/function; Has not been previously published as pathogenic or benign to our knowledge

Women's Health and Genetics/Laboratory Corporation of America, LabCorp
Classification: Uncertain significance. Last evaluated: 2023-01-20. Review status: criteria provided, single submitter. Criteria: LabCorp Variant Classification Summary - May 2015. Collection method: clinical testing. Allele origin: germline.
Comment: Variant summary: NOTCH2 c.4273T>C (p.Cys1425Arg) results in a non-conservative amino acid change located in the Notch domain (IPR000800) of the encoded protein sequence. Five of five in-silico tools predict a damaging effect of the variant on protein function. The variant was absent in 251016 control chromosomes (gnomAD). The available data on variant occurrences in the general population are insufficient to allow any conclusion about variant significance. To our knowledge, no occurrence of c.4273T>C in individuals affected with Hajdu-Cheney Syndrome and no experimental evidence demonstrating its impact on protein function have been reported. No clinical diagnostic laboratories have submitted clinical-significance assessments for this variant to ClinVar after 2014. Based on the evidence outlined above, the variant was classified as uncertain significance.

NM_024408.4(NOTCH2):c.4273T>C (p.Cys1425Arg)

Gene: NOTCH2 (notch receptor 2; minus strand). Cytogenetic location: 1p12.
Variant type: single nucleotide variant.
Coding change: c.4273T>C on transcript NM_024408.4 (MANE Select); coding-DNA position 4273, T replaced by C.
Protein change: p.Cys1425Arg; replaces cysteine 1425 with arginine.
Molecular consequence: missense variant.
Genome position (GRCh38, 1-based): chr1:119,925,543, A>G on the plus strand (T>C on the coding strand, the complement: NOTCH2 is on the minus strand). VCF-style: chr1-119925543-A-G. GRCh37 (hg19) VCF-style: chr1-120468166-A-G.
Other names: short protein forms C1425R.
Identifiers: ClinVar variation 2429285 (VCV002429285.4), dbSNP rs2526147913, ClinGen allele CA341890302.
Genomic context (GRCh38, chr1:119,925,543, plus strand): 5'-TGTTGCAGGCCTCATCACAGACGCCATCCCGAGCTTTGTCGGCACAATACTGGCTCAGAC[A>G]GGTGGCAGGAGGGGTGCTGGGGGGTGCCGTGTAGAGTTCACAGCGGCTACCCGAGAATGG-3'
Protein context (NP_077719.2, residues 1415-1435): TAPPSTPPAT[Cys1425Arg]LSQYCADKAR